The following is an entry in ClinVar:

NM_007194.4(CHEK2):c.432dup (p.Arg145fs)

Gene: CHEK2 (checkpoint kinase 2; minus strand). Cytogenetic location: 22q12.1.
Variant type: Duplication.
Coding change: c.432dup on transcript NM_007194.4 (MANE Select); coding-DNA position 432, one base duplicated (T; older notation c.432dupT).
Protein change: p.Arg145fs; shifts the reading frame from arginine 145.
Molecular consequence: frameshift variant.
Genome position (GRCh38, 1-based): chr22:28,725,255, A duplicated on the plus strand (T on the coding strand, the reverse complement: CHEK2 is on the minus strand); the first of 3 consecutive A bases (chr22:28,725,255-28,725,257); duplicating any one gives the same sequence. VCF-style (leftmost placement, unchanged base first): chr22-28725254-G-GA. GRCh37 (hg19) VCF-style: chr22-29121242-G-GA.
Other names: c.432dupT (NM_007194.3); c.559dup, p.Arg188Serfs (NM_001005735.3); c.-348dup (NM_001257387.3); c.430dup, p.Arg145Serfs (NM_001349956.3, NM_145862.3); short protein forms R188fs, R145fs.
Identifiers: ClinVar variation 545820 (VCV000545820.4), dbSNP rs1555927148, ClinGen allele CA658824801.

ClinVar aggregate classification (germline): Pathogenic/Likely pathogenic. Review status: criteria provided, multiple submitters, no conflicts (2 of 4 stars). 2 submissions from 2 submitters: Pathogenic (1); Likely pathogenic (1). Last evaluated 2023-06-23.

Conditions:
Familial cancer of breast. Also called: Hereditary breast cancer; hereditary breast carcinoma; BREAST CANCER, FAMILIAL. Identifiers: Orphanet 227535, MedGen C0346153, MONDO:0016419, OMIM 114480. Disease mechanism: loss of function.

Submissions (2):

Myriad Genetics, Inc.
Classification: Pathogenic for Familial cancer of breast. Last evaluated: 2023-06-23. Review status: criteria provided, single submitter. Criteria: Myriad Autosomal Dominant, Autosomal Recessive and X-Linked Classification Criteria (2023). Collection method: clinical testing. Allele origin: unknown.
Comment: This variant is considered pathogenic. This variant creates a frameshift predicted to result in premature protein truncation.

GeneDx
Classification: Likely pathogenic. Last evaluated: 2017-08-31. Review status: criteria provided, single submitter. Criteria: GeneDx Variant Classification (06012015). Collection method: clinical testing. Allele origin: germline. Affected: yes.
Comment: This duplication of one nucleotide in CHEK2 is denoted c.432dupT at the cDNA level and p.Arg145SerfsX9 (R145SfsX9) at the protein level. The normal sequence, with the base that is duplicated in brackets, is ACTT[dupT]CGGA. The duplication causes a frameshift which changes an Arginine to a Serine at codon 145, and creates a premature stop codon at position 9 of the new reading frame. Although this variant has not, to our knowledge, been reported in the literature, it is predicted to cause loss of normal protein function through either protein truncation or nonsense-mediated mRNA decay. Based on the currently available evidence, we consider this duplication to be a likely pathogenic variant.